The following is an entry in ClinVar:

NM_004990.4(MARS1):c.2489T>C (p.Val830Ala)

Gene: MARS1 (methionyl-tRNA synthetase 1; plus strand). Cytogenetic location: 12q13.3.
Variant type: single nucleotide variant.
Coding change: c.2489T>C on transcript NM_004990.4 (MANE Select); coding-DNA position 2489, T replaced by C.
Protein change: p.Val830Ala; replaces valine 830 with alanine.
Molecular consequence: missense variant.
Genome position (GRCh38, 1-based): chr12:57,516,270, T>C. VCF-style: chr12-57516270-T-C. GRCh37 (hg19) VCF-style: chr12-57910053-T-C.
Other names: c.2489T>C (NM_004990.3); short protein forms V830A.
Identifiers: ClinVar variation 2926267 (VCV002926267.4), dbSNP rs1261994458, ClinGen allele CA385467333.

ClinVar aggregate classification (germline): Uncertain significance. Review status: criteria provided, multiple submitters, no conflicts (2 of 4 stars). 2 submissions from 2 submitters: Uncertain significance (2). Last evaluated 2025-08-10.

Conditions:
Severe early-onset pulmonary alveolar proteinosis due to MARS deficiency. Also called: PULMONARY ALVEOLAR PROTEINOSIS, REUNION ISLAND; Interstitial lung and liver disease. Identifiers: Orphanet 440427, MedGen C4225400, MONDO:0014206, OMIM 615486.
Charcot-Marie-Tooth disease axonal type 2U. Also called: CHARCOT-MARIE-TOOTH NEUROPATHY, TYPE 2U; CHARCOT-MARIE-TOOTH DISEASE, AXONAL, AUTOSOMAL DOMINANT, TYPE 2U. Identifiers: Orphanet 397735, MedGen C4084821, MONDO:0014566, OMIM 616280.

Allele frequency attached by ClinVar (database versions not stated): gnomAD 0.00001; TOPMed 0.00001.
gnomAD v4.1: 2 of 1,614,014 alleles (0.00012%); highest among the groups gnomAD compares: African/African-American, 0.0027%; no homozygotes.

Submissions (2):

Ambry Genetics
Classification: Uncertain significance. Last evaluated: 2025-08-10. Review status: criteria provided, single submitter. Criteria: Ambry Variant Classification Scheme 2023. Collection method: clinical testing. Allele origin: germline.

Labcorp Genetics (formerly Invitae), Labcorp
Classification: Uncertain significance for Charcot-Marie-Tooth disease axonal type 2U; Severe early-onset pulmonary alveolar proteinosis due to MARS deficiency. Last evaluated: 2025-03-19. Review status: criteria provided, single submitter. Criteria: Invitae Variant Classification Sherloc (09022015). Collection method: clinical testing. Allele origin: germline.
Comment: This sequence change replaces valine, which is neutral and non-polar, with alanine, which is neutral and non-polar, at codon 830 of the MARS protein (p.Val830Ala). This variant is present in population databases (no rsID available, gnomAD 0.01%). This variant has not been reported in the literature in individuals affected with MARS-related conditions. ClinVar contains an entry for this variant (Variation ID: 2926267). An algorithm developed to predict the effect of missense changes on protein structure and function outputs the following: PolyPhen-2: "Benign". The alanine amino acid residue is found in multiple mammalian species, which suggests that this missense change does not adversely affect protein function. In summary, the available evidence is currently insufficient to determine the role of this variant in disease. Therefore, it has been classified as a Variant of Uncertain Significance.